The following is an entry in ClinVar:

NM_001042432.2(CLN3):c.962+2T>G

Gene: CLN3 (CLN3 lysosomal/endosomal transmembrane protein, battenin; minus strand). Cytogenetic location: 16p12.1.
Variant type: single nucleotide variant.
Coding change: c.962+2T>G on transcript NM_001042432.2 (MANE Select); the canonical splice donor site of the intron after coding-DNA position 962, T replaced by G.
Molecular consequence: splice donor variant.
Genome position (GRCh38, 1-based): chr16:28,482,325, A>C on the plus strand (T>G on the coding strand, the complement: CLN3 is on the minus strand). VCF-style: chr16-28482325-A-C. GRCh37 (hg19) VCF-style: chr16-28493646-A-C.
Other names: c.728+2T>G (NM_001286109.2); c.890+2T>G (NM_001286104.2); c.662+2T>G (NM_001286105.2); c.800+2T>G (NM_001286110.2); c.962+2T>G (NM_000086.2).
Identifiers: ClinVar variation 1067645 (VCV001067645.7), dbSNP rs746674736, ClinGen allele CA7980748.

ClinVar aggregate classification (germline): Pathogenic (1 of 4 stars; one submission).

Conditions:
Neuronal ceroid lipofuscinosis. Also called: Neuronal Ceroid Lipofuscinoses. Identifiers: Orphanet 216, Orphanet 79263, MedGen C0027877, MONDO:0016295. Disease mechanism: loss of function.

Allele frequency attached by ClinVar (database versions not stated): ExAC 0.00001; gnomAD exomes 0.00001.
gnomAD v4.1: 4 of 1,613,544 alleles (0.00025%); highest among the groups gnomAD compares: South Asian, 0.0044%; no homozygotes.

Submission:

Labcorp Genetics (formerly Invitae), Labcorp
Classification: Pathogenic for Neuronal ceroid lipofuscinosis. Last evaluated: 2023-12-19. Review status: criteria provided, single submitter. Criteria: Invitae Variant Classification Sherloc (09022015). Collection method: clinical testing. Allele origin: germline.
Comment: This sequence change affects a donor splice site in intron 13 of the CLN3 gene. It is expected to disrupt RNA splicing. Variants that disrupt the donor or acceptor splice site typically lead to a loss of protein function (PMID: 16199547), and loss-of-function variants in CLN3 are known to be pathogenic (PMID: 9311735, 28542676). This variant is present in population databases (rs746674736, gnomAD 0.007%). Disruption of this splice site has been observed in individual(s) with clinical features of neuronal ceroid lipofuscinosis and/or retinitis pigmentosa (Invitae). In at least one individual the data is consistent with being in trans (on the opposite chromosome) from a pathogenic variant. ClinVar contains an entry for this variant (Variation ID: 1067645). Algorithms developed to predict the effect of sequence changes on RNA splicing suggest that this variant may disrupt the consensus splice site. For these reasons, this variant has been classified as Pathogenic.

Literature cited by the submitters: PubMed 16199547; PubMed 9311735; PubMed 28542676.